The following is an entry in ClinVar:

ClinVar aggregate classification (germline): Uncertain significance (1 of 4 stars; one submission).

Conditions:
Microcephaly-intellectual disability-sensorineural hearing loss-epilepsy-abnormal muscle tone syndrome (NEDHSB). Also called: NEURODEVELOPMENTAL DISORDER WITH HEARING LOSS, SEIZURES, AND BRAIN ABNORMALITIES. Identifiers: Orphanet 457351, MedGen C4225276, MONDO:0014698, OMIM 616577.

Allele frequency attached by ClinVar (database versions not stated): gnomAD exomes below 0.00001.
gnomAD v4.1: 1 of 1,614,096 alleles (0.000062%); highest among the groups gnomAD compares: Non-Finnish European, 0.000085%; no homozygotes.

Submission:

Labcorp Genetics (formerly Invitae), Labcorp
Classification: Uncertain significance for Microcephaly-intellectual disability-sensorineural hearing loss-epilepsy-abnormal muscle tone syndrome. Last evaluated: 2022-06-08. Review status: criteria provided, single submitter. Criteria: Invitae Variant Classification Sherloc (09022015). Collection method: clinical testing. Allele origin: germline.
Comment: In summary, the available evidence is currently insufficient to determine the role of this variant in disease. Therefore, it has been classified as a Variant of Uncertain Significance. Advanced modeling of protein sequence and biophysical properties (such as structural, functional, and spatial information, amino acid conservation, physicochemical variation, residue mobility, and thermodynamic stability) performed at Invitae indicates that this missense variant is expected to disrupt SPATA5 protein function. This variant has not been reported in the literature in individuals affected with SPATA5-related conditions. This variant is not present in population databases (gnomAD no frequency). This sequence change replaces alanine, which is neutral and non-polar, with valine, which is neutral and non-polar, at codon 526 of the SPATA5 protein (p.Ala526Val).

NM_145207.3(AFG2A):c.1577C>T (p.Ala526Val)

Gene: AFG2A (AAA ATPase AFG2A; plus strand). Cytogenetic location: 4q28.1.
Variant type: single nucleotide variant.
Coding change: c.1577C>T on transcript NM_145207.3 (MANE Select); coding-DNA position 1577, C replaced by T.
Protein change: p.Ala526Val; replaces alanine 526 with valine.
Molecular consequence: missense variant.
Genome position (GRCh38, 1-based): chr4:122,947,351, C>T. VCF-style: chr4-122947351-C-T. GRCh37 (hg19) VCF-style: chr4-123868506-C-T.
Other names: c.1574C>T, p.Ala525Val (NM_001317799.2, NM_001345856.2); short protein forms A525V, A526V.
Identifiers: ClinVar variation 1998967 (VCV001998967.3), dbSNP rs2477022315, ClinGen allele CA358108277.
Genomic context (GRCh38, chr4:122,947,351, plus strand): 5'-ATGCTGCTCTCCGAAGACCTGGGCGATTTGATAAAGAGATTGAGATTGGAGTTCCCAATG[C>T]TCAGGACCGGCTAGATATTCTCCAGAAACTGCTTCGAAGGGTACCCCATTTGCTCACTGA-3'
Protein context (NP_660208.2, residues 516-536): DKEIEIGVPN[Ala526Val]QDRLDILQKL